The following is an entry in ClinVar:

NM_001009944.3(PKD1):c.3033_3047del (p.Thr1012_Met1016del)

Gene: PKD1 (polycystin 1, transient receptor potential channel interacting; minus strand). Cytogenetic location: 16p13.3.
Variant type: Deletion.
Coding change: c.3033_3047del on transcript NM_001009944.3 (MANE Select); coding-DNA positions 3033 to 3047, 15 bases deleted (AACCGTGGAGCGGAT).
Protein change: p.Thr1012_Met1016del.
Molecular consequence: inframe deletion.
Genome position (GRCh38, 1-based): chr16:2,112,902-2,112,916, ATCCGCTCCACGGTT deleted on the plus strand (AACCGTGGAGCGGAT on the coding strand, the reverse complement: PKD1 is on the minus strand); deleting any 15 consecutive bases within chr16:2,112,902-2,112,917 gives the same sequence; the c. name uses the placement nearest the transcript's 3' end. VCF-style (leftmost placement, unchanged base first): chr16-2112901-CATCCGCTCCACGGTT-C. GRCh37 (hg19) VCF-style: chr16-2162902-CATCCGCTCCACGGTT-C.
Other names: c.3033_3047del, p.Thr1012_Met1016del (NM_000296.4).
Identifiers: ClinVar variation 4281544 (VCV004281544.7).
Genomic context (GRCh38, chr16:2,112,901, plus strand): 5'-CGTGGCATTGGGGGACAGCACGGCCGGCACTGTGGAGACCTGCAGACCCTGCATCCTGTT[CATCCGCTCCACGGTT>C]ACGTTGTAGTTCACGGTGACGTTGCTCACGTGGTTGGAGGCCGTCAGCTGCAGGGACAGG-3'

ClinVar aggregate classification (germline): Uncertain significance (1 of 4 stars; one submission).

Submission:

CeGaT Center for Human Genetics Tuebingen
Classification: Uncertain significance. Last evaluated: 2025-09-01. Review status: criteria provided, single submitter. Criteria: CeGaT Center For Human Genetics Tuebingen Variant Classification Criteria Version 2. Collection method: clinical testing. Allele origin: germline. Affected: yes. Observed: 1 variant allele.
Comment: PKD1: PM2, PM4